The following is an entry in ClinVar:

NM_022124.6(CDH23):c.415G>A (p.Val139Ile)

Genes: CDH23 (cadherin related 23; plus strand), CDH23-AS1 (CDH23 antisense RNA 1; minus strand). Cytogenetic location: 10q22.1.
Variant type: single nucleotide variant.
Coding change: c.415G>A on transcript NM_022124.6 (MANE Select); coding-DNA position 415, G replaced by A.
Protein change: p.Val139Ile; replaces valine 139 with isoleucine.
Molecular consequence: missense variant.
Genome position (GRCh38, 1-based): chr10:71,511,198, G>A. VCF-style: chr10-71511198-G-A. GRCh37 (hg19) VCF-style: chr10-73270955-G-A.
Other names: c.415G>A, p.Val139Ile (NM_001171930.2, NM_001171931.2, NM_001171932.2 and 1 more transcripts); short protein forms V139I.
Identifiers: ClinVar variation 969101 (VCV000969101.12), dbSNP rs771868822, ClinGen allele CA5543407.
Genomic context (GRCh38, chr10:71,511,198, plus strand): 5'-AACATCCAGGTTGGGGATGTGAATGACAACGCGCCCACATTTCACAATCAGCCCTACAGC[G>A]TCCGCATCCCTGAGGTAGGAGCCACTGGGGTTACCCTTGAGGGTATCAGAGACCTGCTGC-3'
Protein context (NP_071407.4, residues 129-149): APTFHNQPYS[Val139Ile]RIPENTPVGT

ClinVar aggregate classification (germline): Uncertain significance. Review status: criteria provided, multiple submitters, no conflicts (2 of 4 stars). 8 submissions from 8 submitters: Uncertain significance (5). 3 of the submissions do not count toward it. Last evaluated 2025-05-05.

Conditions:
Autosomal recessive nonsyndromic hearing loss 12. Also called: DEAFNESS, AUTOSOMAL RECESSIVE 12. Identifiers: Orphanet 90636, MedGen C1832394, MONDO:0011067, OMIM 601386.
Usher syndrome type 1D (USH1D). Also called: USHER SYNDROME, TYPE ID. Identifiers: Orphanet 231169, Orphanet 886, MedGen C1832845, MONDO:0010984, OMIM 601067.
Pituitary adenoma 5, multiple types. Identifiers: MedGen C4539685, MONDO:0054601, OMIM 617540.
Usher syndrome type 1 (USH1). Also called: RETINITIS PIGMENTOSA AND CONGENITAL DEAFNESS. Identifiers: Orphanet 231169, Orphanet 886, MedGen C1568247, MONDO:0010168, OMIM 276900.

Allele frequency attached by ClinVar (database versions not stated): gnomAD exomes 0.00005 and 0.00008; gnomAD 0.00007 and 0.00008; TOPMed 0.00009; ExAC 0.00008.
gnomAD v4.1: 82 of 1,613,360 alleles (0.0051%); highest among the groups gnomAD compares: Admixed American, 0.022%; no homozygotes.

Submissions (8):

GeneDx
Classification: Uncertain significance. Last evaluated: 2025-05-05. Review status: criteria provided, single submitter. Criteria: GeneDx Variant Classification Process June 2021. Collection method: clinical testing. Allele origin: germline.
Comment: Reported with a second variant on the opposite allele (in trans) in two siblings with hearing loss in published literature (PMID: 24416283); In silico analysis suggests that this missense variant does not alter protein structure/function; This variant is associated with the following publications: (PMID: 26186295, 35186384, 24416283)

Blueprint Genetics
Classification: Uncertain significance. Last evaluated: 2024-01-04. Review status: criteria provided, single submitter. Criteria: ACMG Guidelines, 2015. Collection method: clinical testing. Allele origin: germline.

Labcorp Genetics (formerly Invitae), Labcorp
Classification: Uncertain significance. Last evaluated: 2022-09-23. Review status: criteria provided, single submitter. Criteria: Invitae Variant Classification Sherloc (09022015). Collection method: clinical testing. Allele origin: germline.
Comment: This sequence change replaces valine, which is neutral and non-polar, with isoleucine, which is neutral and non-polar, at codon 139 of the CDH23 protein (p.Val139Ile). This variant is present in population databases (rs771868822, gnomAD 0.03%). This missense change has been observed in individual(s) with autosomal recessive non-syndromic hearing loss (PMID: 24416283). It has also been observed to segregate with disease in related individuals. ClinVar contains an entry for this variant (Variation ID: 969101). Advanced modeling of protein sequence and biophysical properties (such as structural, functional, and spatial information, amino acid conservation, physicochemical variation, residue mobility, and thermodynamic stability) performed at Invitae indicates that this missense variant is not expected to disrupt CDH23 protein function. In summary, the available evidence is currently insufficient to determine the role of this variant in disease. Therefore, it has been classified as a Variant of Uncertain Significance.

Mendelics
Classification: Uncertain significance. Last evaluated: 2022-05-04. Review status: criteria provided, single submitter. Criteria: Mendelics Assertion Criteria 2019. Collection method: clinical testing. Allele origin: germline.

Fulgent Genetics
Classification: Uncertain significance for Usher syndrome type 1D; Autosomal recessive nonsyndromic hearing loss 12; Pituitary adenoma 5, multiple types. Last evaluated: 2021-09-03. Review status: criteria provided, single submitter. Criteria: ACMG Guidelines, 2015. Collection method: clinical testing. Allele origin: unknown.

Natera, Inc.
Classification: Uncertain significance for Usher syndrome type 1. Last evaluated: 2020-01-31. Review status: no assertion criteria provided. Collection method: clinical testing. Allele origin: germline. Not counted in ClinVar's aggregate classification.

Clinical Genetics DNA and cytogenetics Diagnostics Lab, Erasmus MC, Erasmus Medical Center
Classification: Uncertain significance. Review status: no assertion criteria provided. Collection method: clinical testing. Allele origin: germline. Affected: yes. Study: VKGL Data-share Consensus. Not counted in ClinVar's aggregate classification.

Clinical Genetics, Academic Medical Center
Classification: Uncertain significance. Review status: no assertion criteria provided. Collection method: clinical testing. Allele origin: germline. Affected: yes. Study: VKGL Data-share Consensus. Not counted in ClinVar's aggregate classification.

Literature cited by the submitters: PubMed 24416283 (cited by Labcorp Genetics (formerly Invitae), Labcorp).